The following is an entry in ClinVar:

NM_001278116.2(L1CAM):c.2712del (p.Ala906fs)

Gene: L1CAM (L1 cell adhesion molecule; minus strand). Cytogenetic location: Xq28.
Variant type: Deletion.
Coding change: c.2712del on transcript NM_001278116.2 (MANE Select); coding-DNA position 2712, one base deleted (G; older notation c.2712delG).
Protein change: p.Ala906fs; shifts the reading frame from alanine 906.
Molecular consequence: frameshift variant.
Genome position (GRCh38, 1-based): chrX:153,865,336, C deleted on the plus strand (G on the coding strand, the reverse complement: L1CAM is on the minus strand); the first of 4 consecutive C bases (chrX:153,865,336-153,865,339); deleting any one gives the same sequence. VCF-style (leftmost placement, unchanged base first): chrX-153865335-GC-G. GRCh37 (hg19) VCF-style: chrX-153130790-GC-G.
Other names: c.2712del, p.Ala906fs (NM_000425.5, NM_024003.3); c.2697del, p.Ala901fs (NM_001143963.2); c.2712delG (NM_000425.5); short protein forms A901fs, A906fs.
Identifiers: ClinVar variation 996255 (VCV000996255.2), dbSNP rs2064703218, ClinGen allele CA2466505353.

ClinVar aggregate classification (germline): Pathogenic (1 of 4 stars; one submission).

Conditions:
L1 syndrome. Identifiers: Orphanet 275543, MedGen C5779710, MONDO:0017140.

Submission:

Women's Health and Genetics/Laboratory Corporation of America, LabCorp
Classification: Pathogenic for L1 syndrome. Last evaluated: 2025-02-07. Review status: criteria provided, single submitter. Criteria: LabCorp Variant Classification Summary - May 2015. Collection method: clinical testing. Allele origin: germline.
Comment: Variant summary: L1CAM c.2712delG (p.Ala906ProfsX75) results in a premature termination codon, predicted to cause a truncation of the encoded protein or absence of the protein due to nonsense mediated decay, which are commonly known mechanisms for disease. The variant was absent in 181787 control chromosomes (gnomAD). To our knowledge, no occurrence of c.2712delG in individuals affected with L1 Syndrome and no experimental evidence demonstrating its impact on protein function have been reported. ClinVar contains an entry for this variant (Variation ID: 996255). Based on the evidence outlined above, the variant was classified as pathogenic.